The following is an entry in ClinVar:

ClinVar aggregate classification (germline): Likely pathogenic (1 of 4 stars; one submission).

Conditions:
Neurodegeneration, childhood-onset, with cerebellar ataxia and cognitive decline (CONDCAC). Identifiers: MedGen C5882726, MONDO:0957985, OMIM 620636.

Submission:

Institute of Human Genetics, University of Leipzig Medical Center
Classification: Likely pathogenic for Neurodegeneration, childhood-onset, with cerebellar ataxia and cognitive decline. Last evaluated: 2025-11-26. Review status: criteria provided, single submitter. Criteria: ACMG Guidelines, 2015. Collection method: clinical testing. Allele origin: maternal. Inheritance: Autosomal dominant inheritance. Affected: yes.
Comment: Criteria applied: PM2,PVS1_STR(RNA); NM_005898.5:c.217-5C>G, r.216_217ins217-4_217-1, p.(Gly73Ilefs*3)

NM_005898.5(CAPRIN1):c.217-5C>G

Gene: CAPRIN1 (cell cycle associated protein 1; plus strand). Cytogenetic location: 11p13.
Variant type: single nucleotide variant.
Coding change: c.217-5C>G on transcript NM_005898.5 (MANE Select); 5 bases into the intron before coding-DNA position 217, C replaced by G.
Molecular consequence: intron variant.
Genome position (GRCh38, 1-based): chr11:34,071,721, C>G. VCF-style: chr11-34071721-C-G. GRCh37 (hg19) VCF-style: chr11-34093268-C-G.
Other names: c.217-5C>G (NM_203364.3).
Identifiers: ClinVar variation 4533317 (VCV004533317.1).
Genomic context (GRCh38, chr11:34,071,721, plus strand): 5'-AAGCATGCTTAAGCTGGTATATACCTTCAAAACGGAATGTAATTCTTTTTTTTCTTTTAA[C>G]ATAGGGTAAGCTTGATGATTACCAGGAACGAATGAACAAAGGGGAAAGGCTTAATCAAGA-3'